The following is an entry in ClinVar:

NC_000020.10:g.(?_61978090)_(62076207_?)del

Genes: CHRNA4 (cholinergic receptor nicotinic alpha 4 subunit; minus strand), KCNQ2 (potassium voltage-gated channel subfamily Q member 2; minus strand). Cytogenetic location: 20q13.33.
Variant type: Deletion.
Identifiers: ClinVar variation 2427472 (VCV002427472.4).

ClinVar aggregate classification (germline): Pathogenic (1 of 4 stars; one submission).

Conditions:
Developmental and epileptic encephalopathy. Identifiers: MedGen C5779964, MONDO:0100620.

Submission:

Labcorp Genetics (formerly Invitae), Labcorp
Classification: Pathogenic for Early-infantile DEE. Last evaluated: 2022-12-31. Review status: criteria provided, single submitter. Criteria: Invitae Variant Classification Sherloc (09022015). Collection method: clinical testing. Allele origin: germline.
Comment: For these reasons, this variant has been classified as Pathogenic. This variant disrupts a region of the KCNQ2 protein in which other variant(s) (p.Lys636del) have been determined to be pathogenic (PMID: 31418850; Invitae). This suggests that this is a clinically significant region of the protein, and that variants that disrupt it are likely to be disease-causing. This variant has not been reported in the literature in individuals affected with KCNQ2-related conditions. This variant is a gross deletion of the genomic region encompassing exon(s) 4-17 of the KCNQ2 gene, which includes the termination codon. This deletion extends beyond the assayed region for this gene and therefore may encompass additional genes. While this deletion is not anticipated to lead to nonsense mediated decay, it is expected to alter mRNA translation or result in a truncated protein product.

Literature cited by the submitters: PubMed 31418850.